The following is an entry in ClinVar:

ClinVar aggregate classification (germline): Benign/Likely benign. Review status: criteria provided, multiple submitters, no conflicts (2 of 4 stars). 8 submissions from 8 submitters: Benign (3); Likely benign (4). 1 of the submissions does not count toward it. Last evaluated 2026-04-01.

Conditions:
ENG-related disorder. Also called: ENG-related condition; ENG-related disorders.
Hereditary hemorrhagic telangiectasia (HHT). Also called: Osler hemorrhagic telangiectasia syndrome; ORW DISEASE; Osler Weber Rendu syndrome; OSLER-RENDU-WEBER DISEASE. Identifiers: Orphanet 774, MedGen C0039445, MONDO:0019180. Disease mechanism: loss of function.
Cardiovascular phenotype. Identifiers: MedGen CN230736.
Telangiectasia, hereditary hemorrhagic, type 1 (HHT1). Also called: Osler Weber Rendu syndrome type 1; ENG-Related Hereditary Hemorrhagic Telangiectasia. Identifiers: Orphanet 774, MedGen C4551861, MONDO:0008535, OMIM 187300. Disease mechanism: loss of function.

Allele frequency attached by ClinVar (database versions not stated): ESP Exome Variant Server 0.00008; 1000 Genomes Project 30x 0.00016; gnomAD 0.00021 and 0.00027; TOPMed 0.00022; gnomAD exomes 0.00043 and 0.00055; ExAC 0.00056.

Submissions (8):

CeGaT Center for Human Genetics Tuebingen
Classification: Likely benign. Last evaluated: 2026-04-01. Review status: criteria provided, single submitter. Criteria: CeGaT Center For Human Genetics Tuebingen Variant Classification Criteria Version 2. Collection method: clinical testing. Allele origin: germline. Affected: yes. Observed: 8 variant alleles.
Comment: ENG: BP4, BS1

Labcorp Genetics (formerly Invitae), Labcorp
Classification: Benign for Hereditary hemorrhagic telangiectasia. Last evaluated: 2026-01-07. Review status: criteria provided, single submitter. Criteria: Invitae Variant Classification Sherloc (09022015). Collection method: clinical testing. Allele origin: germline.

Mayo Clinic Laboratories, Mayo Clinic
Classification: Likely benign. Last evaluated: 2025-11-12. Review status: criteria provided, single submitter. Criteria: ACMG Guidelines, 2015. Collection method: clinical testing. Allele origin: germline. Observed: 2 variant alleles.
Comment: BS1, BP2, BP4_strong

Blueprint Genetics
Classification: Likely benign. Last evaluated: 2024-11-21. Review status: criteria provided, single submitter. Criteria: ACMG Guidelines, 2015. Collection method: clinical testing. Allele origin: germline.

Ambry Genetics
Classification: Benign for Cardiovascular phenotype. Last evaluated: 2021-07-16. Review status: criteria provided, single submitter. Criteria: Ambry Variant Classification Scheme 2023. Collection method: clinical testing. Allele origin: germline.

NIHR Bioresource Rare Diseases, University of Cambridge
Classification: Likely benign for Telangiectasia, hereditary hemorrhagic, type 1. Last evaluated: 2018-01-01. Review status: criteria provided, single submitter. Criteria: ACMG Guidelines, 2015. Collection method: research. Allele origin: unknown. Affected: yes. Observed: 1 variant allele.
Comment: BS1 +BP2

Illumina Laboratory Services, Illumina
Classification: Benign for Telangiectasia, hereditary hemorrhagic, type 1. Last evaluated: 2017-04-28. Review status: criteria provided, single submitter. Criteria: ICSL Variant Classification Criteria 13 December 2019. Collection method: clinical testing. Allele origin: germline.
Comment: This variant was observed as part of a predisposition screen in an ostensibly healthy population. A literature search was performed for the gene, cDNA change, and amino acid change (where applicable). Publications were found based on this search. The evidence from the literature, in combination with allele frequency data from public databases where available, was sufficient to rule this variant out of causing disease. Therefore, this variant is classified as benign.

PreventionGenetics, part of Exact Sciences
Classification: Likely benign for ENG-related condition. Last evaluated: 2021-02-03. Review status: no assertion criteria provided. Collection method: clinical testing. Allele origin: germline. Not counted in ClinVar's aggregate classification.
Comment: This variant is classified as likely benign based on ACMG/AMP sequence variant interpretation guidelines (Richards et al. 2015 PMID: 25741868, with internal and published modifications).

Literature cited by the submitters: PubMed 16429404 (cited by 3 submitters); PubMed 28655553 (cited by Mayo Clinic Laboratories, Mayo Clinic and Ambry Genetics); PubMed 17525106 (cited by Ambry Genetics); PubMed 32573726 (cited by NIHR Bioresource Rare Diseases, University of Cambridge).

NM_001114753.3(ENG):c.388C>T (p.Pro130Ser)

Gene: ENG (endoglin; minus strand). Cytogenetic location: 9q34.11.
Variant type: single nucleotide variant.
Coding change: c.388C>T on transcript NM_001114753.3 (MANE Select); coding-DNA position 388, C replaced by T.
Protein change: p.Pro130Ser; replaces proline 130 with serine.
Molecular consequence: missense variant. On other transcripts: 5 prime UTR variant (1).
Genome position (GRCh38, 1-based): chr9:127,826,645, G>A on the plus strand (C>T on the coding strand, the complement: ENG is on the minus strand). VCF-style: chr9-127826645-G-A. GRCh37 (hg19) VCF-style: chr9-130588924-G-A.
Other names: p.Pro130Ser; c.388C>T, p.Pro130Ser (NM_000118.4, NM_001406715.1); c.-159C>T (NM_001278138.2); short protein forms P130S.
Identifiers: ClinVar variation 414312 (VCV000414312.49), dbSNP rs199840979, ClinGen allele CA5253131.